The following is an entry in ClinVar:

NM_000458.4(HNF1B):c.720C>T (p.Pro240=)

Genes: HNF1B (HNF1 homeobox B; minus strand), LOC126862549 (BRD4-independent group 4 enhancer GRCh37_chr17:36093401-36094600; plus strand). Cytogenetic location: 17q12.
Variant type: single nucleotide variant.
Coding change: c.720C>T on transcript NM_000458.4 (MANE Select); coding-DNA position 720, C replaced by T.
Protein change: p.Pro240=; no amino-acid change (proline 240 retained).
Molecular consequence: synonymous variant.
Genome position (GRCh38, 1-based): chr17:37,733,646, G>A on the plus strand (C>T on the coding strand, the complement: HNF1B is on the minus strand). VCF-style: chr17-37733646-G-A. GRCh37 (hg19) VCF-style: chr17-36093639-G-A.
Other names: c.720C>T (NM_000458.3); c.642C>T, p.Pro214= (NM_001165923.4, NM_001304286.2); c.720C>T, p.Pro240= (NM_001411100.1).
Identifiers: ClinVar variation 2722777 (VCV002722777.4), dbSNP rs767183631, ClinGen allele CA8519024.

ClinVar aggregate classification (germline): Likely benign. Review status: criteria provided, single submitter (1 of 4 stars). 2 submissions from 2 submitters: Likely benign (1). 1 of the submissions does not count toward it. Last evaluated 2025-12-10.

Conditions:
HNF1B-related disorder. Also called: HNF1B-related condition; HNF1B-related disorders.

Allele frequency attached by ClinVar (database versions not stated): TOPMed 0.00007; ExAC 0.00004; gnomAD exomes 0.00007; gnomAD 0.00010.
gnomAD v4.1: 110 of 1,614,004 alleles (0.0068%); highest among the groups gnomAD compares: Non-Finnish European, 0.0083%; no homozygotes.

Submissions (2):

Labcorp Genetics (formerly Invitae), Labcorp
Classification: Likely benign. Last evaluated: 2025-12-10. Review status: criteria provided, single submitter. Criteria: Invitae Variant Classification Sherloc (09022015). Collection method: clinical testing. Allele origin: germline.

PreventionGenetics, part of Exact Sciences
Classification: Likely benign for HNF1B-related condition. Last evaluated: 2024-07-09. Review status: no assertion criteria provided. Collection method: clinical testing. Allele origin: germline. Not counted in ClinVar's aggregate classification.
Comment: This variant is classified as likely benign based on ACMG/AMP sequence variant interpretation guidelines (Richards et al. 2015 PMID: 25741868, with internal and published modifications).